The following is an entry in ClinVar:

NM_007294.4(BRCA1):c.158del (p.Asn53fs)

Gene: BRCA1 (BRCA1 DNA repair associated; minus strand). Cytogenetic location: 17q21.31.
Variant type: Deletion.
Coding change: c.158del on transcript NM_007294.4 (MANE Select); coding-DNA position 158, one base deleted (A; older notation c.158delA).
Protein change: p.Asn53fs; shifts the reading frame from asparagine 53.
Molecular consequence: frameshift variant. On other transcripts: non-coding transcript variant (1).
Genome position (GRCh38, 1-based): chr17:43,106,510, T deleted on the plus strand (A on the coding strand, the reverse complement: BRCA1 is on the minus strand); the first of 2 consecutive T bases (chr17:43,106,510-43,106,511); deleting either gives the same sequence. VCF-style (leftmost placement, unchanged base first): chr17-43106509-GT-G. GRCh37 (hg19) VCF-style: chr17-41258526-GT-G.
Other names: c.-32delA (NM_001407571.1, NM_001407853.1, NM_001407879.1 and 58 more transcripts); c.157delA, p.Asn53Thrfs (NM_001407581.1, NM_001407582.1, NM_001407583.1 and 166 more transcripts); c.16delA, p.Asn6Thrfs (NM_001407692.1, NM_001407694.1, NM_001407695.1 and 98 more transcripts); c.17del, p.Asn6fs (NM_007297.4); c.158del, p.Asn53fs (NM_007299.4, NM_007300.4); short protein forms N53fs, N6fs.
Identifiers: ClinVar variation 2024251 (VCV002024251.4), dbSNP rs2552258664, ClinGen allele CA2580093833.

ClinVar aggregate classification (germline): Pathogenic (1 of 4 stars; one submission).

Conditions:
Hereditary breast ovarian cancer syndrome. Also called: Breast and ovarian cancer; BRCA1- and BRCA2-Associated Hereditary Breast and Ovarian Cancer; Hereditary breast and ovarian cancer; Hereditary breast and ovarian cancer syndrome (HBOC); Hereditary breast and ovarian cancer syndrome; Hereditary breast and/or ovarian cancer syndrome. Identifiers: Orphanet 145, MedGen C0677776, MeSH D061325, MONDO:0003582. Disease mechanism: loss of function.

Submission:

Labcorp Genetics (formerly Invitae), Labcorp
Classification: Pathogenic for Hereditary breast ovarian cancer syndrome. Last evaluated: 2022-10-07. Review status: criteria provided, single submitter. Criteria: Invitae Variant Classification Sherloc (09022015). Collection method: clinical testing. Allele origin: germline.
Comment: This sequence change creates a premature translational stop signal (p.Asn53Thrfs*16) in the BRCA1 gene. It is expected to result in an absent or disrupted protein product. Loss-of-function variants in BRCA1 are known to be pathogenic (PMID: 20104584). This variant is not present in population databases (gnomAD no frequency). This variant has not been reported in the literature in individuals affected with BRCA1-related conditions. For these reasons, this variant has been classified as Pathogenic.

Literature cited by the submitters: PubMed 20104584.